The following is an entry in ClinVar:

ClinVar aggregate classification (germline): Uncertain significance. Review status: criteria provided, multiple submitters, no conflicts (2 of 4 stars). 2 submissions from 2 submitters: Uncertain significance (2). Last evaluated 2026-01-06.

Conditions:
Cardiovascular phenotype. Identifiers: MedGen CN230736.

Submissions (2):

Ambry Genetics
Classification: Uncertain significance for Cardiovascular phenotype. Last evaluated: 2026-01-06. Review status: criteria provided, single submitter. Criteria: Ambry Variant Classification Scheme 2023. Collection method: clinical testing. Allele origin: germline.
Comment: The p.H492P variant (also known as c.1475A>C), located in coding exon 5 of the ALPK3 gene, results from an A to C substitution at nucleotide position 1475. The histidine at codon 492 is replaced by proline, an amino acid with similar properties. This amino acid position is conserved. In addition, this alteration is predicted to be tolerated by in silico analysis. Based on the available evidence, the clinical significance of this variant remains unclear.

Labcorp Genetics (formerly Invitae), Labcorp
Classification: Uncertain significance. Last evaluated: 2026-01-04. Review status: criteria provided, single submitter. Criteria: Invitae Variant Classification Sherloc (09022015). Collection method: clinical testing. Allele origin: germline.
Comment: This sequence change replaces histidine, which is basic and polar, with proline, which is neutral and non-polar, at codon 492 of the ALPK3 protein (p.His492Pro). This variant is not present in population databases (gnomAD no frequency). This variant has not been reported in the literature in individuals affected with ALPK3-related conditions. ClinVar contains an entry for this variant (Variation ID: 2123179). An algorithm developed to predict the effect of missense changes on protein structure and function (PolyPhen-2) suggests that this variant is likely to be disruptive. In summary, the available evidence is currently insufficient to determine the role of this variant in disease. Therefore, it has been classified as a Variant of Uncertain Significance.

NM_020778.5(ALPK3):c.869A>C (p.His290Pro)

Gene: ALPK3 (alpha kinase 3; plus strand). Cytogenetic location: 15q25.3.
Variant type: single nucleotide variant.
Coding change: c.869A>C on transcript NM_020778.5 (MANE Select); coding-DNA position 869, A replaced by C.
Protein change: p.His290Pro; replaces histidine 290 with proline.
Molecular consequence: missense variant.
Genome position (GRCh38, 1-based): chr15:84,840,148, A>C. VCF-style: chr15-84840148-A-C. GRCh37 (hg19) VCF-style: chr15-85383379-A-C.
Other names: c.1475A>C (NM_020778.4); short protein forms H290P.
Identifiers: ClinVar variation 2123179 (VCV002123179.5), dbSNP rs1963643331, ClinGen allele CA393373676.